The following is an entry in ClinVar:

NM_001127222.2(CACNA1A):c.6069C>T (p.Gly2023=)

Gene: CACNA1A (calcium voltage-gated channel subunit alpha1 A; minus strand). Cytogenetic location: 19p13.13.
Variant type: single nucleotide variant.
Coding change: c.6069C>T on transcript NM_001127222.2 (MANE Select); coding-DNA position 6069, C replaced by T.
Protein change: p.Gly2023=; no amino-acid change (glycine 2023 retained).
Molecular consequence: synonymous variant.
Genome position (GRCh38, 1-based): chr19:13,212,504, G>A on the plus strand (C>T on the coding strand, the complement: CACNA1A is on the minus strand). VCF-style: chr19-13212504-G-A. GRCh37 (hg19) VCF-style: chr19-13323318-G-A.
Other names: c.6087C>T, p.Gly2029= (NM_000068.4, NM_023035.3); c.6072C>T, p.Gly2024= (NM_001127221.2); c.6078C>T, p.Gly2026= (NM_001174080.2).
Identifiers: ClinVar variation 388915 (VCV000388915.1), dbSNP rs773076084, ClinGen allele CA9239479.
Genomic context (GRCh38, chr19:13,212,504, plus strand): 5'-GCCCGTCTTCTGGAACATCTCCTGGGCACGCTGGGTCACCCAGGACGGGCTCTCCTTGAG[G>A]CCGCTTTCGTGAGCCATCCTGCATGGGGGACAGAGGCCGGGGTAGCAGTGGGCGCTTGGG-3'
Protein context (NP_001120694.1, residues 2013-2033): PGGALMAHES[Gly2023=]LKESPSWVTQ

ClinVar aggregate classification (germline): Likely benign (1 of 4 stars; one submission).

Allele frequency attached by ClinVar (database versions not stated): gnomAD exomes below 0.00001 and 0.00001; ExAC 0.00005.
gnomAD v4.1: 2 of 1,578,112 alleles (0.00013%); highest among the groups gnomAD compares: South Asian, 0.0023%; no homozygotes.

Submission:

GeneDx
Classification: Likely benign. Last evaluated: 2016-08-31. Review status: criteria provided, single submitter. Criteria: GeneDx Variant Classification (06012015). Collection method: clinical testing. Allele origin: germline. Affected: yes.
Comment: This variant is considered likely benign or benign based on one or more of the following criteria: it is a conservative change, it occurs at a poorly conserved position in the protein, it is predicted to be benign by multiple in silico algorithms, and/or has population frequency not consistent with disease.